The following is an entry in ClinVar:

NM_001267550.2(TTN):c.62970T>C (p.Asp20990=)

Genes: TTN (titin; minus strand), TTN-AS1 (TTN antisense RNA 1; plus strand). Cytogenetic location: 2q31.2.
Variant type: single nucleotide variant.
Coding change: c.62970T>C on transcript NM_001267550.2 (MANE Select); coding-DNA position 62970, T replaced by C.
Protein change: p.Asp20990=; no amino-acid change (aspartic acid 20990 retained).
Molecular consequence: synonymous variant.
Genome position (GRCh38, 1-based): chr2:178,588,755, A>G on the plus strand (T>C on the coding strand, the complement: TTN is on the minus strand). VCF-style: chr2-178588755-A-G. GRCh37 (hg19) VCF-style: chr2-179453482-A-G.
Other names: c.58047T>C, p.Asp19349= (NM_001256850.1); c.35775T>C, p.Asp11925= (NM_003319.4); c.55266T>C, p.Asp18422= (NM_133378.4); c.36150T>C, p.Asp12050= (NM_133432.3); c.36351T>C, p.Asp12117= (NM_133437.4).
Identifiers: ClinVar variation 669371 (VCV000669371.12), dbSNP rs764520176, ClinGen allele CA1992162.

ClinVar aggregate classification (germline): Likely benign. Review status: criteria provided, multiple submitters, no conflicts (2 of 4 stars). 3 submissions from 3 submitters: Likely benign (3). Last evaluated 2024-04-13.

Conditions:
Cardiovascular phenotype. Identifiers: MedGen CN230736.
Dilated cardiomyopathy 1G (CMD1G). Identifiers: Orphanet 154, MedGen C1858763, MONDO:0011400, OMIM 604145.
Autosomal recessive limb-girdle muscular dystrophy type 2J (LGMDR10). Also called: MUSCULAR DYSTROPHY, LIMB-GIRDLE, AUTOSOMAL RECESSIVE 10; Limb-girdle muscular dystrophy, type 2J. Identifiers: Orphanet 140922, MedGen C1837342, MONDO:0012127, OMIM 608807.

Allele frequency attached by ClinVar (database versions not stated): ExAC 0.00001; gnomAD exomes 0.00001; gnomAD 0.00002; TOPMed 0.00002.
gnomAD v4.1: 22 of 1,613,102 alleles (0.0014%); highest among the groups gnomAD compares: Non-Finnish European, 0.0017%; no homozygotes.

Submissions (3):

Labcorp Genetics (formerly Invitae), Labcorp
Classification: Likely benign for Dilated cardiomyopathy 1G; Autosomal recessive limb-girdle muscular dystrophy type 2J. Last evaluated: 2024-04-13. Review status: criteria provided, single submitter. Criteria: Invitae Variant Classification Sherloc (09022015). Collection method: clinical testing. Allele origin: germline.

Ambry Genetics
Classification: Likely benign for Cardiovascular phenotype. Last evaluated: 2020-09-28. Review status: criteria provided, single submitter. Criteria: Ambry Variant Classification Scheme 2023. Collection method: clinical testing. Allele origin: germline.

GeneDx
Classification: Likely benign. Last evaluated: 2018-06-05. Review status: criteria provided, single submitter. Criteria: GeneDx Variant Classification (06012015). Collection method: clinical testing. Allele origin: germline. Affected: yes.
Comment: This variant is considered likely benign or benign based on one or more of the following criteria: it is a conservative change, it occurs at a poorly conserved position in the protein, it is predicted to be benign by multiple in silico algorithms, and/or has population frequency not consistent with disease.